The following is an entry in ClinVar:

ClinVar aggregate classification (germline): Uncertain significance. Review status: criteria provided, multiple submitters, no conflicts (2 of 4 stars). 2 submissions from 2 submitters: Uncertain significance (2). Last evaluated 2022-07-23.

Conditions:
Cohen syndrome (COH1). Also called: Cutis verticis gyrata, retinitis pigmentosa, and sensorineural deafness; PEPPER SYNDROME. Identifiers: Orphanet 193, MedGen C0265223, MONDO:0008999, OMIM 216550.

Submissions (2):

Labcorp Genetics (formerly Invitae), Labcorp
Classification: Uncertain significance for Cohen syndrome. Last evaluated: 2022-07-23. Review status: criteria provided, single submitter. Criteria: Invitae Variant Classification Sherloc (09022015). Collection method: clinical testing. Allele origin: germline.
Comment: This variant, c.11770_11772del, results in the deletion of 1 amino acid(s) of the VPS13B protein (p.Asn3924del), but otherwise preserves the integrity of the reading frame. This variant is present in population databases (no rsID available, gnomAD 0.06%). This variant has not been reported in the literature in individuals affected with VPS13B-related conditions. Experimental studies and prediction algorithms are not available or were not evaluated, and the functional significance of this variant is currently unknown. In summary, the available evidence is currently insufficient to determine the role of this variant in disease. Therefore, it has been classified as a Variant of Uncertain Significance.

Blueprint Genetics
Classification: Uncertain significance. Last evaluated: 2018-10-05. Review status: criteria provided, single submitter. Criteria: ACMG Guidelines, 2015. Collection method: clinical testing. Allele origin: germline.

NM_152564.5(VPS13B):c.11692AAC[1] (p.Asn3899del)

Gene: VPS13B (vacuolar protein sorting 13 homolog B; plus strand). Cytogenetic location: 8q22.2.
Variant type: Microsatellite.
Coding change: c.11692AAC[1] on transcript NM_152564.5 (MANE Select); one copy of the 3-base unit AAC starting at c.11692; the reference has two copies in a row; one copy, 3 bases deleted.
Protein change: p.Asn3899del; deletes asparagine 3899.
Molecular consequence: inframe deletion.
Genome position (GRCh38, 1-based): chr8:99,871,647-99,871,649, AAC deleted; deleting any 3 consecutive bases within chr8:99,871,644-99,871,649 gives the same sequence; the position shown is the placement nearest the transcript's 3' end. VCF-style (leftmost placement, unchanged base first): chr8-99871643-GAAC-G. GRCh37 (hg19) VCF-style: chr8-100883871-GAAC-G.
Other names: c.11767AAC[1], p.Asn3924del (NM_017890.5); short protein forms N3924del, N3899del.
Identifiers: ClinVar variation 1449469 (VCV001449469.6), dbSNP rs1462286408, ClinGen allele CA583856675.